The following is an entry in ClinVar:

NM_000548.5(TSC2):c.1676A>G (p.Asp559Gly)

Gene: TSC2 (TSC complex subunit 2; plus strand). Cytogenetic location: 16p13.3.
Variant type: single nucleotide variant.
Coding change: c.1676A>G on transcript NM_000548.5 (MANE Select); coding-DNA position 1676, A replaced by G.
Protein change: p.Asp559Gly; replaces aspartic acid 559 with glycine.
Molecular consequence: missense variant.
Genome position (GRCh38, 1-based): chr16:2,065,595, A>G. VCF-style: chr16-2065595-A-G. GRCh37 (hg19) VCF-style: chr16-2115596-A-G.
Other names: c.1676A>G, p.Asp559Gly (NM_001077183.3, NM_001114382.3, NM_001363528.2 and 3 more transcripts); c.1565A>G, p.Asp522Gly (NM_001318827.2); c.1529A>G, p.Asp510Gly (NM_001318829.2); c.1076A>G, p.Asp359Gly (NM_001318831.2); c.1709A>G, p.Asp570Gly (NM_001318832.2); short protein forms D359G, D510G, D522G, D570G, D559G.
Identifiers: ClinVar variation 819764 (VCV000819764.17), dbSNP rs767619776, ClinGen allele CA394270472.

ClinVar aggregate classification (germline): Uncertain significance. Review status: criteria provided, multiple submitters, no conflicts (2 of 4 stars). 5 submissions from 5 submitters: Uncertain significance (5). Last evaluated 2024-08-19.

Conditions:
Lymphangiomyomatosis (LAM). Also called: Lymphangioleiomyomatosis, somatic; Lymphangioleiomyomatosis. Identifiers: Orphanet 538, MedGen C0751674, MONDO:0011705, OMIM 606690.
Isolated focal cortical dysplasia type II (FCORD2). Also called: Focal cortical dysplasia type II; CORTICAL DYSPLASIA OF TAYLOR. Identifiers: Orphanet 268994, MedGen C1846385, MONDO:0011818, OMIM 607341, HP:0032051.
Tuberous sclerosis 2 (TSC2). Identifiers: Orphanet 805, MedGen C1860707, MONDO:0013199, OMIM 613254.
Hereditary cancer-predisposing syndrome. Also called: Hereditary Cancer Syndrome; Neoplastic Syndromes, Hereditary; Hereditary neoplastic syndrome; Tumor predisposition. Identifiers: Orphanet 140162, MedGen C0027672, MeSH D009386, MONDO:0015356.

Submissions (5):

Labcorp Genetics (formerly Invitae), Labcorp
Classification: Uncertain significance for Tuberous sclerosis 2. Last evaluated: 2024-08-19. Review status: criteria provided, single submitter. Criteria: Invitae Variant Classification Sherloc (09022015). Collection method: clinical testing. Allele origin: germline.
Comment: This sequence change replaces aspartic acid, which is acidic and polar, with glycine, which is neutral and non-polar, at codon 559 of the TSC2 protein (p.Asp559Gly). This variant is not present in population databases (gnomAD no frequency). This variant has not been reported in the literature in individuals affected with TSC2-related conditions. ClinVar contains an entry for this variant (Variation ID: 819764). Invitae Evidence Modeling of protein sequence and biophysical properties (such as structural, functional, and spatial information, amino acid conservation, physicochemical variation, residue mobility, and thermodynamic stability) has been performed for this missense variant. However, the output from this modeling did not meet the statistical confidence thresholds required to predict the impact of this variant on TSC2 protein function. In summary, the available evidence is currently insufficient to determine the role of this variant in disease. Therefore, it has been classified as a Variant of Uncertain Significance.

Fulgent Genetics
Classification: Uncertain significance for Lymphangiomyomatosis; Isolated focal cortical dysplasia type II; Tuberous sclerosis 2. Last evaluated: 2024-05-31. Review status: criteria provided, single submitter. Criteria: ACMG Guidelines, 2015. Collection method: clinical testing. Allele origin: germline.

Baylor Genetics
Classification: Uncertain significance for Isolated focal cortical dysplasia type II. Last evaluated: 2024-03-29. Review status: criteria provided, single submitter. Criteria: ACMG Guidelines, 2015. Collection method: clinical testing. Allele origin: unknown.

Ambry Genetics
Classification: Uncertain significance for Hereditary cancer-predisposing syndrome. Last evaluated: 2023-10-26. Review status: criteria provided, single submitter. Criteria: Ambry Variant Classification Scheme 2023. Collection method: clinical testing. Allele origin: germline.
Comment: The p.D559G variant (also known as c.1676A>G), located in coding exon 15 of the TSC2 gene, results from an A to G substitution at nucleotide position 1676. The aspartic acid at codon 559 is replaced by glycine, an amino acid with similar properties. This amino acid position is highly conserved in available vertebrate species. In addition, this alteration is predicted to be deleterious by in silico analysis. Since supporting evidence is limited at this time, the clinical significance of this alteration remains unclear.

Genome-Nilou Lab
Classification: Uncertain significance for Tuberous sclerosis 2. Last evaluated: 2021-11-07. Review status: criteria provided, single submitter. Criteria: ACMG Guidelines, 2015. Collection method: clinical testing. Allele origin: germline. Affected: no.